The following is an entry in ClinVar:

ClinVar aggregate classification (germline): Uncertain significance (1 of 4 stars; one submission).

Conditions:
Neurofibromatosis, type 2 (SWNV). Also called: NF2-Related Schwannomatosis; BILATERAL ACOUSTIC NEUROFIBROMATOSIS; SCHWANNOMATOSIS, VESTIBULAR. Identifiers: Orphanet 637, MedGen C0027832, MONDO:0007039, OMIM 101000. Disease mechanism: loss of function.

Allele frequency attached by ClinVar (database versions not stated): gnomAD exomes below 0.00001.
gnomAD v4.1: 1 of 1,614,192 alleles (0.000062%); highest among the groups gnomAD compares: Non-Finnish European, 0.000085%; no homozygotes.

Submission:

Labcorp Genetics (formerly Invitae), Labcorp
Classification: Uncertain significance for Neurofibromatosis, type 2. Last evaluated: 2022-08-05. Review status: criteria provided, single submitter. Criteria: Invitae Variant Classification Sherloc (09022015). Collection method: clinical testing. Allele origin: germline.
Comment: In summary, the available evidence is currently insufficient to determine the role of this variant in disease. Therefore, it has been classified as a Variant of Uncertain Significance. Variants that disrupt the consensus splice site are a relatively common cause of aberrant splicing (PMID: 17576681, 9536098). Algorithms developed to predict the effect of sequence changes on RNA splicing suggest that this variant may create or strengthen a splice site. This variant has not been reported in the literature in individuals affected with NF2-related conditions. This variant is not present in population databases (gnomAD no frequency). This sequence change falls in intron 11 of the NF2 gene. It does not directly change the encoded amino acid sequence of the NF2 protein. It affects a nucleotide within the consensus splice site.

Literature cited by the submitters: PubMed 17576681; PubMed 9536098.

NM_000268.4(NF2):c.1122+3G>T

Gene: NF2 (NF2, moesin-ezrin-radixin like (MERLIN) tumor suppressor; plus strand). Cytogenetic location: 22q12.2.
Variant type: single nucleotide variant.
Coding change: c.1122+3G>T on transcript NM_000268.4 (MANE Select); 3 bases into the intron after coding-DNA position 1122, G replaced by T.
Molecular consequence: intron variant.
Genome position (GRCh38, 1-based): chr22:29,671,951, G>T. VCF-style: chr22-29671951-G-T. GRCh37 (hg19) VCF-style: chr22-30067940-G-T.
Other names: c.1122+3G>T (NM_016418.5, NM_181832.3, NM_181825.3); c.448-22801G>T (NM_181833.3); c.999+3G>T (NM_181829.3); c.996+3G>T (NM_181828.3); c.873+3G>T (NM_181830.3, NM_181831.3).
Identifiers: ClinVar variation 2021856 (VCV002021856.4), dbSNP rs2147074366, ClinGen allele CA2580099557.
Genomic context (GRCh38, chr22:29,671,951, plus strand): 5'-GTTGGAGAGGAGGCTGCTGCAGATGAAAGAAGAAGCAACAATGGCCAACGAAGCACTGGT[G>T]ATTTCTGAGGGGCTGGGGTTCCAGGAGGCTACTTGGGGACTTCCTTGGCTTTTCTGGAGC-3'